The following is an entry in ClinVar:

ClinVar aggregate classification (germline): Uncertain significance. Review status: criteria provided, multiple submitters, no conflicts (2 of 4 stars). 2 submissions from 2 submitters: Uncertain significance (2). Last evaluated 2026-06-01.

Allele frequency attached by ClinVar (database versions not stated): gnomAD exomes below 0.00001; ExAC 0.00001; TOPMed 0.00002.
gnomAD v4.1: 6 of 1,613,930 alleles (0.00037%); highest among the groups gnomAD compares: Admixed American, 0.0017%; no homozygotes.

Submissions (2):

CeGaT Center for Human Genetics Tuebingen
Classification: Uncertain significance. Last evaluated: 2026-06-01. Review status: criteria provided, single submitter. Criteria: CeGaT Center For Human Genetics Tuebingen Variant Classification Criteria Version 2. Collection method: clinical testing. Allele origin: germline. Affected: yes. Observed: 1 variant allele.
Comment: VWF: PM2, PP4:Moderate

ARUP Laboratories, Molecular Genetics and Genomics, ARUP Laboratories
Classification: Uncertain significance. Last evaluated: 2023-09-01. Review status: criteria provided, single submitter. Criteria: ARUP Molecular Germline Variant Investigation Process 2024. Collection method: clinical testing. Allele origin: germline.

NM_000552.5(VWF):c.4037A>G (p.Gln1346Arg)

Gene: VWF (von Willebrand factor; minus strand). Cytogenetic location: 12p13.31.
Variant type: single nucleotide variant.
Coding change: c.4037A>G on transcript NM_000552.5 (MANE Select); coding-DNA position 4037, A replaced by G.
Protein change: p.Gln1346Arg; replaces glutamine 1346 with arginine.
Molecular consequence: missense variant.
Genome position (GRCh38, 1-based): chr12:6,019,381, T>C on the plus strand (A>G on the coding strand, the complement: VWF is on the minus strand). VCF-style: chr12-6019381-T-C. GRCh37 (hg19) VCF-style: chr12-6128547-T-C.
Other names: short protein forms Q1346R.
Identifiers: ClinVar variation 2921069 (VCV002921069.3), dbSNP rs778358708, ClinGen allele CA6402619.